The following is an entry in ClinVar:

NM_006514.4(SCN10A):c.5779G>A (p.Gly1927Ser)

Gene: SCN10A (sodium voltage-gated channel alpha subunit 10; minus strand). Cytogenetic location: 3p22.2.
Variant type: single nucleotide variant.
Coding change: c.5779G>A on transcript NM_006514.4 (MANE Select); coding-DNA position 5779, G replaced by A.
Protein change: p.Gly1927Ser; replaces glycine 1927 with serine.
Molecular consequence: missense variant.
Genome position (GRCh38, 1-based): chr3:38,697,441, C>T on the plus strand (G>A on the coding strand, the complement: SCN10A is on the minus strand). VCF-style: chr3-38697441-C-T. GRCh37 (hg19) VCF-style: chr3-38738932-C-T.
Other names: c.5776G>A, p.Gly1926Ser (NM_001293306.2); c.5485G>A, p.Gly1829Ser (NM_001293307.2); short protein forms G1926S, G1829S, G1927S.
Identifiers: ClinVar variation 1749588 (VCV001749588.3), dbSNP rs2470548354, ClinGen allele CA352152375.

ClinVar aggregate classification (germline): Uncertain significance (1 of 4 stars; one submission).

Conditions:
Cardiovascular phenotype. Identifiers: MedGen CN230736.

gnomAD v4.1: 1 of 1,614,206 alleles (0.000062%); no homozygotes.

Submission:

Ambry Genetics
Classification: Uncertain significance for Cardiovascular phenotype. Last evaluated: 2025-10-12. Review status: criteria provided, single submitter. Criteria: Ambry Variant Classification Scheme 2023. Collection method: clinical testing. Allele origin: germline.
Comment: The p.G1927S variant (also known as c.5779G>A), located in coding exon 27 of the SCN10A gene, results from a G to A substitution at nucleotide position 5779. The glycine at codon 1927 is replaced by serine, an amino acid with similar properties. This amino acid position is well conserved in available vertebrate species. In addition, the in silico prediction for this alteration is inconclusive. Since supporting evidence is limited at this time, the clinical significance of this alteration remains unclear.